The following is an entry in ClinVar:

NM_001287.6(CLCN7):c.1934G>C (p.Gly645Ala)

Gene: CLCN7 (chloride voltage-gated channel 7; minus strand). Cytogenetic location: 16p13.3.
Variant type: single nucleotide variant.
Coding change: c.1934G>C on transcript NM_001287.6 (MANE Select); coding-DNA position 1934, G replaced by C.
Protein change: p.Gly645Ala; replaces glycine 645 with alanine.
Molecular consequence: missense variant.
Genome position (GRCh38, 1-based): chr16:1,448,434, C>G on the plus strand (G>C on the coding strand, the complement: CLCN7 is on the minus strand). VCF-style: chr16-1448434-C-G. GRCh37 (hg19) VCF-style: chr16-1498435-C-G.
Other names: c.1862G>C, p.Gly621Ala (NM_001114331.3); short protein forms G621A, G645A.
Identifiers: ClinVar variation 2171688 (VCV002171688.4), dbSNP rs2505814621, ClinGen allele CA394186140.

ClinVar aggregate classification (germline): Uncertain significance (1 of 4 stars; one submission).

Allele frequency attached by ClinVar (database versions not stated): gnomAD exomes below 0.00001.
gnomAD v4.1: 2 of 1,612,316 alleles (0.00012%); highest among the groups gnomAD compares: Non-Finnish European, 0.00017%; no homozygotes.

Submission:

Labcorp Genetics (formerly Invitae), Labcorp
Classification: Uncertain significance. Last evaluated: 2022-04-25. Review status: criteria provided, single submitter. Criteria: Invitae Variant Classification Sherloc (09022015). Collection method: clinical testing. Allele origin: germline.
Comment: In summary, the available evidence is currently insufficient to determine the role of this variant in disease. Therefore, it has been classified as a Variant of Uncertain Significance. Advanced modeling of protein sequence and biophysical properties (such as structural, functional, and spatial information, amino acid conservation, physicochemical variation, residue mobility, and thermodynamic stability) performed at Invitae indicates that this missense variant is not expected to disrupt CLCN7 protein function. This variant has not been reported in the literature in individuals affected with CLCN7-related conditions. This variant is not present in population databases (gnomAD no frequency). This sequence change replaces glycine, which is neutral and non-polar, with alanine, which is neutral and non-polar, at codon 645 of the CLCN7 protein (p.Gly645Ala).